The following is an entry in ClinVar:

ClinVar aggregate classification (germline): Uncertain significance (1 of 4 stars; one submission).

Submission:

Labcorp Genetics (formerly Invitae), Labcorp
Classification: Uncertain significance. Last evaluated: 2022-07-17. Review status: criteria provided, single submitter. Criteria: Invitae Variant Classification Sherloc (09022015). Collection method: clinical testing. Allele origin: germline.
Comment: This variant has not been reported in the literature in individuals affected with ALPL-related conditions. In summary, the available evidence is currently insufficient to determine the role of this variant in disease. Therefore, it has been classified as a Variant of Uncertain Significance. Advanced modeling of protein sequence and biophysical properties (such as structural, functional, and spatial information, amino acid conservation, physicochemical variation, residue mobility, and thermodynamic stability) performed at Invitae indicates that this missense variant is expected to disrupt ALPL protein function. This variant is not present in population databases (gnomAD no frequency). This sequence change replaces proline, which is neutral and non-polar, with leucine, which is neutral and non-polar, at codon 409 of the ALPL protein (p.Pro409Leu).

NM_000478.6(ALPL):c.1226C>T (p.Pro409Leu)

Gene: ALPL (alkaline phosphatase, biomineralization associated; plus strand). Cytogenetic location: 1p36.12.
Variant type: single nucleotide variant.
Coding change: c.1226C>T on transcript NM_000478.6 (MANE Select); coding-DNA position 1226, C replaced by T.
Protein change: p.Pro409Leu; replaces proline 409 with leucine.
Molecular consequence: missense variant.
Genome position (GRCh38, 1-based): chr1:21,576,558, C>T. VCF-style: chr1-21576558-C-T. GRCh37 (hg19) VCF-style: chr1-21903051-C-T.
Other names: c.1061C>T, p.Pro354Leu (NM_001127501.4); c.995C>T, p.Pro332Leu (NM_001177520.3); c.1226C>T, p.Pro409Leu (NM_001369803.2, NM_001369804.2, NM_001369805.2); short protein forms P354L, P409L, P332L.
Identifiers: ClinVar variation 2088677 (VCV002088677.4), dbSNP rs2545347265, ClinGen allele CA338881732.